The following is an entry in ClinVar:

NM_003482.4(KMT2D):c.5713C>T (p.Gln1905Ter)

Gene: KMT2D (lysine methyltransferase 2D; minus strand). Cytogenetic location: 12q13.12.
Variant type: single nucleotide variant.
Coding change: c.5713C>T on transcript NM_003482.4 (MANE Select); coding-DNA position 5713, C replaced by T.
Protein change: p.Gln1905Ter; replaces glutamine 1905 with a stop codon.
Molecular consequence: nonsense.
Genome position (GRCh38, 1-based): chr12:49,042,810, G>A on the plus strand (C>T on the coding strand, the complement: KMT2D is on the minus strand). VCF-style: chr12-49042810-G-A. GRCh37 (hg19) VCF-style: chr12-49436593-G-A.
Other names: short protein forms Q1905*.
Identifiers: ClinVar variation 1338459 (VCV001338459.4), dbSNP rs2120560322, ClinGen allele CA384629042.

ClinVar aggregate classification (germline): Pathogenic (1 of 4 stars; one submission).

Submission:

Genetic Services Laboratory, University of Chicago
Classification: Pathogenic. Last evaluated: 2018-11-14. Review status: criteria provided, single submitter. Criteria: ACMG Guidelines, 2015. Collection method: clinical testing. Allele origin: germline. Affected: yes.
Comment: DNA sequence analysis of the KMT2D gene demonstrated a sequence change, c.5713C>T, in exon 26 that results in a premature stop codon at amino acid position 1905, p.Gln1905*. This particular sequence change has not been previously described in patients with Kabuki syndrome but occurs in a region where other truncating mutations were reported. This sequence change is predicted to result in an abnormal transcript, which may be degraded, or may lead to the production of a truncated KMT2D protein with potentially abnormal function. This KMT2D variant was identified in only 20% of the next generation sequence reads, indicating that this variant is likely present in the mosaic state. Sanger sequencing confirmed this finding. Targeted sequence analysis in parents confirmed that c.5713C>T, p.Gln1905* sequence change is a de novo change.